The following is an entry in ClinVar:

ClinVar aggregate classification (germline): Uncertain significance (1 of 4 stars; one submission).

Conditions:
RPL27-related disorder. Also called: RPL27-related condition.

Allele frequency attached by ClinVar (database versions not stated): gnomAD exomes below 0.00001.
gnomAD v4.1: 1 of 1,613,494 alleles (0.000062%); highest among the groups gnomAD compares: Non-Finnish European, 0.000085%; no homozygotes.

Submission:

PreventionGenetics, part of Exact Sciences
Classification: Uncertain significance for RPL27-related condition. Last evaluated: 2023-09-14. Review status: criteria provided, single submitter. Criteria: ACMG Guidelines, 2015. Collection method: clinical testing. Allele origin: germline.
Comment: The RPL27 c.6C>T variant is not predicted to result in an amino acid change (p.=). This variant is predicted to alter splicing based on available splicing prediction programs (Alamut Visual plus v1.6.1). However, such computer prediction programs are imperfect. To our knowledge, this variant has not been reported in the literature or in a large population database, indicating this variant is rare. At this time, the clinical significance of this variant is uncertain due to the absence of conclusive functional and genetic evidence.

NM_000988.5(RPL27):c.6C>T (p.Gly2=)

Genes: RPL27 (ribosomal protein L27; plus strand), LOC126862570 (CDK7 strongly-dependent group 2 enhancer GRCh37_chr17:41149993-41151192; plus strand). Cytogenetic location: 17q21.31.
Variant type: single nucleotide variant.
Coding change: c.6C>T on transcript NM_000988.5 (MANE Select); coding-DNA position 6, C replaced by T.
Protein change: p.Gly2=; no amino-acid change (glycine 2 retained).
Molecular consequence: synonymous variant. On other transcripts: non-coding transcript variant (1).
Genome position (GRCh38, 1-based): chr17:42,998,756, C>T. VCF-style: chr17-42998756-C-T. GRCh37 (hg19) VCF-style: chr17-41150773-C-T.
Other names: c.6C>T, p.Gly2= (NM_001349921.2, NM_001349922.2).
Identifiers: ClinVar variation 2631045 (VCV002631045.1), dbSNP rs2544333489, ClinGen allele CA500120545.
Genomic context (GRCh38, chr17:42,998,756, plus strand): 5'-GCATCTTTGGCTTTACGGATTTTTAAGTGGCCCTTTCTCCTTGCTCTCTGCAGAAATGGG[C>T]AAGTTCATGAAACCTGGGAAGGTGGTGCTTGTCCTGGCTGGACGCTACTCCGGACGCAAA-3'
Protein context (NP_000979.1, residues 1-12): M[Gly2=]KFMKPGKVVL